The following is an entry in ClinVar:

ClinVar aggregate classification (germline): Pathogenic/Likely pathogenic. Review status: criteria provided, multiple submitters, no conflicts (2 of 4 stars). 8 submissions from 8 submitters: Pathogenic (3); Likely pathogenic (5). Last evaluated 2025-09-05.

Conditions:
FA2H-related disorder. Also called: FA2H-related condition.
Inborn genetic diseases. Identifiers: MedGen C0950123, MeSH D030342.
Spastic paraplegia. Identifiers: MedGen C0037772, HP:0001258.
Neurodegeneration with brain iron accumulation (NBIA). Identifiers: Orphanet 385, MedGen C2931845, MONDO:0018307.
Hereditary spastic paraplegia 35. Also called: LEUKODYSTROPHY, DYSMYELINATING, AND SPASTIC PARAPARESIS WITH OR WITHOUT DYSTONIA; Spastic paraplegia 35, autosomal recessive; SPASTIC PARAPLEGIA 35, AUTOSOMAL RECESSIVE, WITH OR WITHOUT NEURODEGENERATION; Spastic paraplegia 35. Identifiers: Orphanet 171629, MedGen C3496228, MONDO:0012866, OMIM 612319.

Allele frequency attached by ClinVar (database versions not stated): gnomAD exomes below 0.00001; ESP Exome Variant Server 0.00008.
gnomAD v4.1: 40 of 1,614,086 alleles (0.0025%); highest among the groups gnomAD compares: Non-Finnish European, 0.0031%; no homozygotes.

Submissions (8):

Labcorp Genetics (formerly Invitae), Labcorp
Classification: Pathogenic for Spastic paraplegia. Last evaluated: 2025-09-05. Review status: criteria provided, single submitter. Criteria: Invitae Variant Classification Sherloc (09022015). Collection method: clinical testing. Allele origin: germline.
Comment: This sequence change replaces proline, which is neutral and non-polar, with leucine, which is neutral and non-polar, at codon 148 of the FA2H protein (p.Pro148Leu). This variant is present in population databases (rs372350326, gnomAD 0.003%). This missense change has been observed in individual(s) with autosomal recessive hereditary spastic paraplegia (PMID: 29980238; internal data). In at least one individual the data is consistent with being in trans (on the opposite chromosome) from a pathogenic variant. It has also been observed to segregate with disease in related individuals. ClinVar contains an entry for this variant (Variation ID: 406877). Invitae Evidence Modeling of protein sequence and biophysical properties (such as structural, functional, and spatial information, amino acid conservation, physicochemical variation, residue mobility, and thermodynamic stability) indicates that this missense variant is expected to disrupt FA2H protein function with a positive predictive value of 80%. For these reasons, this variant has been classified as Pathogenic.

Fulgent Genetics
Classification: Likely pathogenic for Hereditary spastic paraplegia 35. Last evaluated: 2024-03-08. Review status: criteria provided, single submitter. Criteria: ACMG Guidelines, 2015. Collection method: clinical testing. Allele origin: germline.

Women's Health and Genetics/Laboratory Corporation of America, LabCorp
Classification: Likely pathogenic for Neurodegeneration with brain iron accumulation. Last evaluated: 2024-03-08. Review status: criteria provided, single submitter. Criteria: LabCorp Variant Classification Summary - May 2015. Collection method: clinical testing. Allele origin: germline.
Comment: Variant summary: FA2H c.443C>T (p.Pro148Leu) results in a non-conservative amino acid change in the encoded protein sequence. Five of five in-silico tools predict a damaging effect of the variant on protein function. The variant allele was found at a frequency of 4e-06 in 251024 control chromosomes. c.443C>T has been reported in the literature in at-least four individuals affected with early onset cerebellar ataxia, multifocal childhood onset dystonia and AR Hereditary spastic paraplegias (example, Shakya _2019, Powis_2020, Dong_2018). These data indicate that the variant is likely to be associated with disease. To our knowledge, no experimental evidence demonstrating an impact on protein function has been reported. The following publications have been ascertained in the context of this evaluation (PMID: 29980238, 31628766, 31429931). ClinVar contains an entry for this variant (Variation ID: 406877). Based on the evidence outlined above, the variant was classified as likely pathogenic.

Mayo Clinic Laboratories, Mayo Clinic
Classification: Likely pathogenic. Last evaluated: 2021-11-19. Review status: criteria provided, single submitter. Criteria: ACMG Guidelines, 2015. Collection method: clinical testing. Allele origin: germline.
Comment: PP3, PM2, PM3, PS4_moderate

Blueprint Genetics
Classification: Pathogenic for FA2H-related disorders. Last evaluated: 2020-02-28. Review status: criteria provided, single submitter. Criteria: ACMG Guidelines, 2015. Collection method: clinical testing. Allele origin: germline. Affected: yes. Observed: 1 variant allele.

Ambry Genetics
Classification: Likely pathogenic for Inborn genetic diseases. Last evaluated: 2016-07-12. Review status: criteria provided, single submitter. Criteria: Ambry exome assertion method (8-5-2015). Collection method: clinical testing. Allele origin: germline. Affected: yes. Observed: 1 variant allele.

Department of Medical Genetics, Sanjay Gandhi Post Graduate Institute of Medical Sciences
Classification: Pathogenic for Hereditary spastic paraplegia 35. Review status: criteria provided, single submitter. Criteria: ACMG Guidelines, 2015. Collection method: research. Allele origin: germline. Inheritance: Autosomal recessive inheritance. Affected: yes. Observed: 1 homozygote.
Comment: The variant was detected in the homozygous state and is classified as pathogenic as per ACMG-AMP guidelines (PM3, PM2, PP1, PP3, PP5).

Neuberg Centre For Genomic Medicine, NCGM
Classification: Likely pathogenic for Hereditary spastic paraplegia 35. Review status: criteria provided, single submitter. Criteria: ACMG Guidelines, 2015. Collection method: clinical testing. Allele origin: germline. Inheritance: Autosomal recessive inheritance. Affected: yes.
Comment: The missense c.443C>T (p.Pro148Leu) variant in FA2H gene has been reported previously in homozygous/ compound heterozygous states in multiple individuals affected with FA2H-related disorders (Dong et al., 2018; Shakya et al., 2019; Rattay et al., 2019; Powis et al., 2020). It has also been observed to segregate with disease in related individuals. The p.Pro148Leu variant is present with allele frequency of 0.0004% in gnomAD Exomes. This variant has been submitted to the ClinVar database as Pathogenic/ Likely Pathogenic. Multiple lines of computational evidence (Polyphen - Probably Damaging, SIFT - Damaging and MutationTaster - Disease causing) predict a damaging effect on protein structure and function for this variant. The reference amino acid at this position on FA2H is predicted as conserved by GERP++ and PhyloP across 100 vertebrates. The amino acid Pro at position 148 is changed to a Leu changing protein sequence and it might alter its composition and physico-chemical properties. Additional functional studies will be required to prove the pathogenicity of this variant. For these reasons, this variant has been classified as Likely Pathogenic.

Literature cited by the submitters: PubMed 29980238 (cited by 4 submitters); PubMed 31429931 (cited by Women's Health and Genetics/Laboratory Corporation of America, LabCorp and Mayo Clinic Laboratories, Mayo Clinic); PubMed 31628766 (cited by Women's Health and Genetics/Laboratory Corporation of America, LabCorp and Mayo Clinic Laboratories, Mayo Clinic); PubMed 31135052 (cited by Mayo Clinic Laboratories, Mayo Clinic); PubMed 31227335 (cited by Mayo Clinic Laboratories, Mayo Clinic); PubMed 36790591 (cited by Department of Medical Genetics, Sanjay Gandhi Post Graduate Institute of Medical Sciences).

NM_024306.5(FA2H):c.443C>T (p.Pro148Leu)

Gene: FA2H (fatty acid 2-hydroxylase; minus strand). Cytogenetic location: 16q23.1.
Variant type: single nucleotide variant.
Coding change: c.443C>T on transcript NM_024306.5 (MANE Select); coding-DNA position 443, C replaced by T.
Protein change: p.Pro148Leu; replaces proline 148 with leucine.
Molecular consequence: missense variant.
Genome position (GRCh38, 1-based): chr16:74,727,307, G>A on the plus strand (C>T on the coding strand, the complement: FA2H is on the minus strand). VCF-style: chr16-74727307-G-A. GRCh37 (hg19) VCF-style: chr16-74761205-G-A.
Other names: p.Pro148Leu; p. Pro148Leu; short protein forms P148L.
Identifiers: ClinVar variation 406877 (VCV000406877.20), dbSNP rs372350326, ClinGen allele CA16615007.